The following is an entry in ClinVar:

ClinVar aggregate classification (germline): Uncertain significance. Review status: criteria provided, multiple submitters, no conflicts (2 of 4 stars). 2 submissions from 2 submitters: Uncertain significance (2). Last evaluated 2023-12-22.

Allele frequency attached by ClinVar (database versions not stated): gnomAD exomes below 0.00001; TOPMed below 0.00001.

Submissions (2):

Labcorp Genetics (formerly Invitae), Labcorp
Classification: Uncertain significance. Last evaluated: 2023-12-22. Review status: criteria provided, single submitter. Criteria: Invitae Variant Classification Sherloc (09022015). Collection method: clinical testing. Allele origin: germline.
Comment: This sequence change replaces glycine, which is neutral and non-polar, with arginine, which is basic and polar, at codon 287 of the NEK2 protein (p.Gly287Arg). This variant is not present in population databases (gnomAD no frequency). This variant has not been reported in the literature in individuals affected with NEK2-related conditions. An algorithm developed to predict the effect of missense changes on protein structure and function (PolyPhen-2) suggests that this variant is likely to be tolerated. In summary, the available evidence is currently insufficient to determine the role of this variant in disease. Therefore, it has been classified as a Variant of Uncertain Significance.

Blueprint Genetics
Classification: Uncertain significance. Last evaluated: 2019-10-14. Review status: criteria provided, single submitter. Criteria: ACMG Guidelines, 2015. Collection method: clinical testing. Allele origin: germline.

NM_002497.4(NEK2):c.859G>A (p.Gly287Arg)

Gene: NEK2 (NIMA related kinase 2; minus strand). Cytogenetic location: 1q32.3.
Variant type: single nucleotide variant.
Coding change: c.859G>A on transcript NM_002497.4 (MANE Select); coding-DNA position 859, G replaced by A.
Protein change: p.Gly287Arg; replaces glycine 287 with arginine.
Molecular consequence: missense variant.
Genome position (GRCh38, 1-based): chr1:211,669,239, C>T on the plus strand (G>A on the coding strand, the complement: NEK2 is on the minus strand). VCF-style: chr1-211669239-C-T. GRCh37 (hg19) VCF-style: chr1-211842581-C-T.
Other names: c.859G>A, p.Gly287Arg (NM_001204182.2, NM_001204183.2); short protein forms G287R.
Identifiers: ClinVar variation 3012847 (VCV003012847.4), dbSNP rs1352594832, ClinGen allele CA344778848.